The following is an entry in ClinVar:

ClinVar aggregate classification (germline): Likely benign (1 of 4 stars; one submission).

Allele frequency attached by ClinVar (database versions not stated): ExAC 0.00003; TOPMed 0.00005; gnomAD 0.00006; 1000 Genomes Project 0.00020; 1000 Genomes Project 30x 0.00062.
gnomAD v4.1: 17 of 1,613,426 alleles (0.0011%); highest among the groups gnomAD compares: African/African-American, 0.015%; no homozygotes.

Submission:

CeGaT Center for Human Genetics Tuebingen
Classification: Likely benign. Last evaluated: 2022-08-01. Review status: criteria provided, single submitter. Criteria: CeGaT Center For Human Genetics Tuebingen Variant Classification Criteria Version 2. Collection method: clinical testing. Allele origin: germline. Affected: yes. Observed: 1 variant allele.
Comment: CELSR1: BP4, BP7

NM_001378328.1(CELSR1):c.6225G>A (p.Ala2075=)

Gene: CELSR1 (cadherin EGF LAG seven-pass G-type receptor 1; minus strand). Cytogenetic location: 22q13.31.
Variant type: single nucleotide variant.
Coding change: c.6225G>A on transcript NM_001378328.1 (MANE Select); coding-DNA position 6225, G replaced by A.
Protein change: p.Ala2075=; no amino-acid change (alanine 2075 retained).
Molecular consequence: synonymous variant.
Genome position (GRCh38, 1-based): chr22:46,391,211, C>T on the plus strand (G>A on the coding strand, the complement: CELSR1 is on the minus strand). VCF-style: chr22-46391211-C-T. GRCh37 (hg19) VCF-style: chr22-46787108-C-T.
Other names: c.6225G>A, p.Ala2075= (NM_014246.4).
Identifiers: ClinVar variation 2653324 (VCV002653324.24), dbSNP rs546943922, ClinGen allele CA10293906.